The following is an entry in ClinVar:

NM_130837.3(OPA1):c.2398A>G (p.Ile800Val)

Gene: OPA1 (OPA1 mitochondrial dynamin like GTPase; plus strand). Cytogenetic location: 3q29.
Variant type: single nucleotide variant.
Coding change: c.2398A>G on transcript NM_130837.3 (MANE Select); coding-DNA position 2398, A replaced by G.
Protein change: p.Ile800Val; replaces isoleucine 800 with valine.
Molecular consequence: missense variant.
Genome position (GRCh38, 1-based): chr3:193,658,953, A>G. VCF-style: chr3-193658953-A-G. GRCh37 (hg19) VCF-style: chr3-193376742-A-G.
Other names: c.1864A>G, p.Ile622Val (NM_001354663.2); c.1861A>G, p.Ile621Val (NM_001354664.2); c.2233A>G, p.Ile745Val (NM_015560.3); c.2125A>G, p.Ile709Val (NM_130831.3); c.2179A>G, p.Ile727Val (NM_130832.3); c.2236A>G, p.Ile746Val (NM_130833.3); c.2287A>G, p.Ile763Val (NM_130834.3); c.2290A>G, p.Ile764Val (NM_130835.3); and 1 more; short protein forms I746V, I782V, I622V, I709V, I763V, I764V, I621V, I727V.
Identifiers: ClinVar variation 4750209 (VCV004750209.2).

ClinVar aggregate classification (germline): Uncertain significance. Review status: criteria provided, multiple submitters, no conflicts (2 of 4 stars). 2 submissions from 2 submitters: Uncertain significance (2). Last evaluated 2025-08-26.

gnomAD v4.1: 3 of 1,613,960 alleles (0.00019%); highest among the groups gnomAD compares: Admixed American, 0.0017%; no homozygotes.

Submissions (2):

Labcorp Genetics (formerly Invitae), Labcorp
Classification: Uncertain significance. Last evaluated: 2025-08-26. Review status: criteria provided, single submitter. Criteria: Invitae Variant Classification Sherloc (09022015). Collection method: clinical testing. Allele origin: germline.
Comment: This sequence change replaces isoleucine, which is neutral and non-polar, with valine, which is neutral and non-polar, at codon 745 of the OPA1 protein (p.Ile745Val). This variant is not present in population databases (gnomAD no frequency). This variant has not been reported in the literature in individuals affected with OPA1-related conditions. Invitae Evidence Modeling of protein sequence and biophysical properties (such as structural, functional, and spatial information, amino acid conservation, physicochemical variation, residue mobility, and thermodynamic stability) indicates that this missense variant is not expected to disrupt OPA1 protein function with a negative predictive value of 80%. In summary, the available evidence is currently insufficient to determine the role of this variant in disease. Therefore, it has been classified as a Variant of Uncertain Significance.

Blueprint Genetics
Classification: Uncertain significance. Last evaluated: 2022-06-27. Review status: criteria provided, single submitter. Criteria: ACMG Guidelines, 2015. Collection method: clinical testing. Allele origin: germline.